The following is an entry in ClinVar:

ClinVar aggregate classification (germline): Uncertain significance (1 of 4 stars; one submission).

gnomAD v4.1: 1 of 1,200,003 alleles (0.000083%); highest among the groups gnomAD compares: Non-Finnish European, 0.00011%; no homozygotes.

Submission:

Labcorp Genetics (formerly Invitae), Labcorp
Classification: Uncertain significance. Last evaluated: 2024-08-27. Review status: criteria provided, single submitter. Criteria: Invitae Variant Classification Sherloc (09022015). Collection method: clinical testing. Allele origin: germline.
Comment: This sequence change replaces aspartic acid, which is acidic and polar, with valine, which is neutral and non-polar, at codon 80 of the ABCB7 protein (p.Asp80Val). This variant is not present in population databases (gnomAD no frequency). This variant has not been reported in the literature in individuals affected with ABCB7-related conditions. An algorithm developed to predict the effect of missense changes on protein structure and function (PolyPhen-2) suggests that this variant is likely to be tolerated. In summary, the available evidence is currently insufficient to determine the role of this variant in disease. Therefore, it has been classified as a Variant of Uncertain Significance.

NM_001271696.3(ABCB7):c.236A>T (p.Asp79Val)

Gene: ABCB7 (ATP binding cassette subfamily B member 7; minus strand). Cytogenetic location: Xq13.3.
Variant type: single nucleotide variant.
Coding change: c.236A>T on transcript NM_001271696.3 (MANE Select); coding-DNA position 236, A replaced by T.
Protein change: p.Asp79Val; replaces aspartic acid 79 with valine.
Molecular consequence: missense variant. On other transcripts: intron variant (1).
Genome position (GRCh38, 1-based): chrX:75,114,764, T>A on the plus strand (A>T on the coding strand, the complement: ABCB7 is on the minus strand). VCF-style: chrX-75114764-T-A. GRCh37 (hg19) VCF-style: chrX-74334599-T-A.
Other names: c.236A>T, p.Asp79Val (NM_001271697.3); c.239A>T, p.Asp80Val (NM_001271699.3, NM_004299.6); c.169-1792A>T (NM_001271698.3); short protein forms D79V, D80V.
Identifiers: ClinVar variation 3617815 (VCV003617815.2).
Genomic context (GRCh38, chrX:75,114,764, plus strand): 5'-GGTTTACAGGTTTTTCCTAGCTATATGTAGACATGTTTGCTCAATCTTACCTTTGCAGCA[T>A]CTAAGAACTGTCCTGAATTGCCTTTTCCCAATCTCTGCCATGTGATACTTTTTAATGACT-3'
Protein context (NP_001258625.1, residues 69-89): LGKGNSGQFL[Asp79Val]AAKALQVWPL